The following is an entry in ClinVar:

ClinVar aggregate classification (germline): Uncertain significance (1 of 4 stars; one submission).

Submission:

CeGaT Center for Human Genetics Tuebingen
Classification: Uncertain significance. Last evaluated: 2026-03-01. Review status: criteria provided, single submitter. Criteria: CeGaT Center For Human Genetics Tuebingen Variant Classification Criteria Version 2. Collection method: clinical testing. Allele origin: germline. Affected: yes. Observed: 1 variant allele.
Comment: ANKRD11: PM2, BP4

NM_013275.6(ANKRD11):c.5328C>A (p.Ser1776Arg)

Gene: ANKRD11 (ankyrin repeat domain 11; minus strand). Cytogenetic location: 16q24.3.
Variant type: single nucleotide variant.
Coding change: c.5328C>A on transcript NM_013275.6 (MANE Select); coding-DNA position 5328, C replaced by A.
Protein change: p.Ser1776Arg; replaces serine 1776 with arginine.
Molecular consequence: missense variant.
Genome position (GRCh38, 1-based): chr16:89,281,214, G>T on the plus strand (C>A on the coding strand, the complement: ANKRD11 is on the minus strand). VCF-style: chr16-89281214-G-T. GRCh37 (hg19) VCF-style: chr16-89347622-G-T.
Other names: c.5328C>A, p.Ser1776Arg (NM_001256182.2, NM_001256183.2); short protein forms S1776R.
Identifiers: ClinVar variation 4823607 (VCV004823607.4).